The following is an entry in ClinVar:

ClinVar aggregate classification (germline): Uncertain significance. Review status: criteria provided, multiple submitters, no conflicts (2 of 4 stars). 3 submissions from 3 submitters: Uncertain significance (3). Last evaluated 2026-01-01.

Conditions:
Pitt-Hopkins-like syndrome 2 (PTHSL2). Identifiers: Orphanet 221150, Orphanet 600663, MedGen C3280479, MONDO:0013690, OMIM 614325.
Inborn genetic diseases. Identifiers: MedGen C0950123, MeSH D030342.

Allele frequency attached by ClinVar (database versions not stated): TOPMed below 0.00001; gnomAD 0.00001.
gnomAD v4.1: 1 of 1,613,794 alleles (0.000062%); highest among the groups gnomAD compares: African/African-American, 0.0013%; no homozygotes.

Submissions (3):

Labcorp Genetics (formerly Invitae), Labcorp
Classification: Uncertain significance for Pitt-Hopkins-like syndrome 2. Last evaluated: 2026-01-01. Review status: criteria provided, single submitter. Criteria: Invitae Variant Classification Sherloc (09022015). Collection method: clinical testing. Allele origin: germline.
Comment: This sequence change replaces proline, which is neutral and non-polar, with alanine, which is neutral and non-polar, at codon 527 of the NRXN1 protein (p.Pro527Ala). This variant is present in population databases (no rsID available, gnomAD 0.01%). This variant has not been reported in the literature in individuals affected with NRXN1-related conditions. ClinVar contains an entry for this variant (Variation ID: 1315872). An algorithm developed to predict the effect of missense changes on protein structure and function (PolyPhen-2) suggests that this variant is likely to be disruptive. In summary, the available evidence is currently insufficient to determine the role of this variant in disease. Therefore, it has been classified as a Variant of Uncertain Significance.

GeneDx
Classification: Uncertain significance. Last evaluated: 2019-10-24. Review status: criteria provided, single submitter. Criteria: GeneDx Variant Classification Process June 2021. Collection method: clinical testing. Allele origin: germline. Affected: yes.
Comment: Not observed at a significant frequency in large population cohorts (Lek et al., 2016); In silico analysis, which includes protein predictors and evolutionary conservation, supports a deleterious effect; Has not been previously published as pathogenic or benign to our knowledge

Ambry Genetics
Classification: Uncertain significance for Inborn genetic diseases. Last evaluated: 2018-10-04. Review status: criteria provided, single submitter. Criteria: Ambry Variant Classification Scheme 2023. Collection method: clinical testing. Allele origin: germline.
Comment: The p.P527A variant (also known as c.1579C>G), located in coding exon 9 of the NRXN1 gene, results from a C to G substitution at nucleotide position 1579. The proline at codon 527 is replaced by alanine, an amino acid with highly similar properties. This amino acid position is highly conserved in available vertebrate species. In addition, the in silico prediction for this alteration is inconclusive. Since supporting evidence is limited at this time, the clinical significance of this alteration remains unclear.

NM_001330078.2(NRXN1):c.1459C>G (p.Pro487Ala)

Gene: NRXN1 (neurexin 1; minus strand). Cytogenetic location: 2p16.3.
Variant type: single nucleotide variant.
Coding change: c.1459C>G on transcript NM_001330078.2 (MANE Select); coding-DNA position 1459, C replaced by G.
Protein change: p.Pro487Ala; replaces proline 487 with alanine.
Molecular consequence: missense variant.
Genome position (GRCh38, 1-based): chr2:50,552,887, G>C on the plus strand (C>G on the coding strand, the complement: NRXN1 is on the minus strand). VCF-style: chr2-50552887-G-C. GRCh37 (hg19) VCF-style: chr2-50780025-G-C.
Other names: c.1579C>G, p.Pro527Ala (NM_001135659.3); c.1435C>G, p.Pro479Ala (NM_001330077.2, NM_001330082.2, NM_001330095.2); c.1420C>G, p.Pro474Ala (NM_001330083.2, NM_001330084.2); c.1459C>G, p.Pro487Ala (NM_001330085.2, NM_001330086.2, NM_004801.6); c.1375C>G, p.Pro459Ala (NM_001330087.2, NM_001330096.2); c.1405C>G, p.Pro469Ala (NM_001330088.2); c.1456C>G, p.Pro486Ala (NM_001330093.2); c.1447C>G, p.Pro483Ala (NM_001330094.2); short protein forms P459A, P469A, P474A, P479A, P483A, P486A, P487A, P527A.
Identifiers: ClinVar variation 1315872 (VCV001315872.7), dbSNP rs1431790300, ClinGen allele CA346774019.